The following is an entry in ClinVar:

ClinVar aggregate classification (germline): Conflicting classifications of pathogenicity. Review status: criteria provided, conflicting classifications (1 of 4 stars). 2 submissions from 2 submitters: Likely pathogenic (1); Uncertain significance (1). Last evaluated 2023-08-16.

Conditions:
Hyperinsulinemic hypoglycemia, familial, 1 (HHF1). Also called: Persistent hyperinsulinemic hypoglycemia of infancy; HYPERINSULINISM, FAMILIAL, WITH PANCREATIC NESIDIOBLASTOSIS; HYPOGLYCEMIA, HYPERINSULINEMIC, OF INFANCY; NESIDIOBLASTOSIS OF PANCREAS; Persistent Hyperinsulinemia Hypoglycemia of Infancy. Identifiers: Orphanet 276575, Orphanet 276598, MedGen C2931832, MONDO:0009734, OMIM 256450.

Allele frequency attached by ClinVar (database versions not stated): gnomAD exomes below 0.00001; TOPMed 0.00001.
gnomAD v4.1: 1 of 1,613,988 alleles (0.000062%); highest among the groups gnomAD compares: Non-Finnish European, 0.000085%; no homozygotes.

Submissions (2):

Broad Center for Mendelian Genomics, Broad Institute of MIT and Harvard
Classification: Uncertain significance for Hyperinsulinemic hypoglycemia, familial, 1. Last evaluated: 2023-08-16. Review status: criteria provided, single submitter. Criteria: ACMG Guidelines, 2015. Collection method: curation. Allele origin: germline. Inheritance: Autosomal recessive inheritance.
Comment: The p.Leu724Pro variant in ABCC8 has been previously reported in 2 individuals with hyperinsulinemic hypoglycemia (PMID: 26180531, 23345197), and has been seen in 0.0009% (1/113580) of European (non-Finish) chromosomes by the Genome Aggregation Database (gnomAD; dbSNP: rs1402090677). Although this variant has been seen in the general population in a heterozygous state, its frequency is low enough to be consistent with a recessive carrier frequency. This variant has also been reported in ClinVar (Variation ID: 1526018) and has been interpreted as likely pathogenic by Molecular Genetics (Madras Diabetes Research Foundation). Of the 2 affected individuals, both of those were homozygotes, which increases the likelihood that the p.Leu724Pro variant is pathogenic (PMID: 26180531, 23345197). Computational prediction tools and conservation analyses suggest that this variant may impact the protein, though this information is not predictive enough to determine pathogenicity. In summary, while there is some suspicion for a pathogenic role, the clinical significance of this variant is uncertain. ACMG/AMP Criteria applied: PM3, PP3, PM2_supporting (Richards 2015).

Molecular Genetics, Madras Diabetes Research Foundation
Classification: Likely pathogenic for Hyperinsulinemic hypoglycemia, familial, 1. Review status: criteria provided, single submitter. Criteria: ACMG Guidelines, 2015. Collection method: clinical testing. Allele origin: germline. Affected: yes.

Literature cited by the submitters: PubMed 25117148 (cited by Molecular Genetics, Madras Diabetes Research Foundation).

NM_000352.6(ABCC8):c.2171T>C (p.Leu724Pro)

Gene: ABCC8 (ATP binding cassette subfamily C member 8; minus strand). Cytogenetic location: 11p15.1.
Variant type: single nucleotide variant.
Coding change: c.2171T>C on transcript NM_000352.6 (MANE Select); coding-DNA position 2171, T replaced by C.
Protein change: p.Leu724Pro; replaces leucine 724 with proline.
Molecular consequence: missense variant. On other transcripts: non-coding transcript variant (1).
Genome position (GRCh38, 1-based): chr11:17,427,100, A>G on the plus strand (T>C on the coding strand, the complement: ABCC8 is on the minus strand). VCF-style: chr11-17427100-A-G. GRCh37 (hg19) VCF-style: chr11-17448647-A-G.
Other names: NM_000352.6(ABCC8):c.2171T>C; p.Leu724Pro; c.2171T>C, p.Leu724Pro (NM_001287174.3); c.2237T>C, p.Leu746Pro (NM_001351295.2); c.2168T>C, p.Leu723Pro (NM_001351296.2, NM_001351297.2); short protein forms L723P, L724P, L746P.
Identifiers: ClinVar variation 1526018 (VCV001526018.2), dbSNP rs1402090677, ClinGen allele CA379813612.